The following is an entry in ClinVar:

ClinVar aggregate classification (germline): Uncertain significance. Review status: criteria provided, multiple submitters, no conflicts (2 of 4 stars). 2 submissions from 2 submitters: Uncertain significance (2). Last evaluated 2026-09-10.

Conditions:
Maturity-onset diabetes of the young type 10. Identifiers: Orphanet 552, MedGen C3150617, MONDO:0013240, OMIM 613370.

gnomAD v4.1: 30 of 1,612,254 alleles (0.0019%); highest among the groups gnomAD compares: East Asian, 0.051%; no homozygotes.

Submissions (2):

MVZ Medizinische Genetik Mainz
Classification: Uncertain significance for Maturity-onset diabetes of the young type 10. Last evaluated: 2026-09-10. Review status: criteria provided, single submitter. Criteria: UK Practice Guidelines For Variant Classification V4 01 2020. Collection method: clinical testing. Allele origin: germline. Inheritance: Autosomal dominant inheritance. Affected: yes. Observed: 1 variant allele.
Comment: ACMG Criteria: PS4_sup,PS3_SUP,PP1_mod,PP3_sup

Juno Genomics, Hangzhou Juno Genomics, Inc
Classification: Uncertain significance for Maturity-onset diabetes of the young type 10. Review status: criteria provided, single submitter. Criteria: ACMG Guidelines, 2015. Collection method: clinical testing. Allele origin: germline. Affected: yes.
Comment: Well-established in vitro or in vivo functional studies supportive of a damaging effect on the gene or gene product.;Patient's phenotype or family history is highly specific for a disease with a single genetic etiology.

NM_000207.3(INS):c.4G>A (p.Ala2Thr)

Genes: INS (insulin; minus strand), INS-IGF2 (INS-IGF2 readthrough; minus strand). Cytogenetic location: 11p15.5.
Variant type: single nucleotide variant.
Coding change: c.4G>A on transcript NM_000207.3 (MANE Select); coding-DNA position 4, G replaced by A.
Protein change: p.Ala2Thr; replaces alanine 2 with threonine.
Molecular consequence: missense variant. On other transcripts: non-coding transcript variant (1).
Genome position (GRCh38, 1-based): chr11:2,160,968, C>T on the plus strand (G>A on the coding strand, the complement: INS is on the minus strand). VCF-style: chr11-2160968-C-T. GRCh37 (hg19) VCF-style: chr11-2182198-C-T.
Other names: c.4G>A, p.Ala2Thr (NM_001185097.2, NM_001185098.2, NM_001291897.2 and 1 more transcripts); short protein forms A2T.
Identifiers: ClinVar variation 5010178 (VCV005010178.2).